The following is an entry in ClinVar:

NM_001165963.4(SCN1A):c.1130G>C (p.Arg377Pro)

Gene: SCN1A (sodium voltage-gated channel alpha subunit 1; minus strand). Cytogenetic location: 2q24.3.
Variant type: single nucleotide variant.
Coding change: c.1130G>C on transcript NM_001165963.4 (MANE Select); coding-DNA position 1130, G replaced by C.
Protein change: p.Arg377Pro; replaces arginine 377 with proline.
Molecular consequence: missense variant. On other transcripts: 5 prime UTR variant (1), non-coding transcript variant (1).
Genome position (GRCh38, 1-based): chr2:166,047,667, C>G on the plus strand (G>C on the coding strand, the complement: SCN1A is on the minus strand). VCF-style: chr2-166047667-C-G. GRCh37 (hg19) VCF-style: chr2-166904177-C-G.
Other names: c.1130G>C, p.Arg377Pro (NM_001165964.3, NM_001202435.3, NM_001353948.2 and 10 more transcripts); c.-1296G>C (NM_001353961.2); short protein forms R377P.
Identifiers: ClinVar variation 2749176 (VCV002749176.3), dbSNP rs121917957, ClinGen allele CA349071153.

ClinVar aggregate classification (germline): Likely pathogenic (1 of 4 stars; one submission).

Conditions:
Early-infantile DEE. Also called: Ohtahara syndrome; Early infantile epileptic encephalopathy; Early infantile epileptic encephalopathy with suppression bursts. Identifiers: Orphanet 1934, MedGen C0393706, MONDO:0800491.

Submission:

Labcorp Genetics (formerly Invitae), Labcorp
Classification: Likely pathogenic for Early-infantile DEE. Last evaluated: 2023-05-30. Review status: criteria provided, single submitter. Criteria: Invitae Variant Classification Sherloc (09022015). Collection method: clinical testing. Allele origin: germline.
Comment: In summary, the currently available evidence indicates that the variant is pathogenic, but additional data are needed to prove that conclusively. Therefore, this variant has been classified as Likely Pathogenic. This variant disrupts the p.Arg377 amino acid residue in SCN1A. Other variant(s) that disrupt this residue have been determined to be pathogenic (PMID: 18076640, 18413471; Invitae). This suggests that this residue is clinically significant, and that variants that disrupt this residue are likely to be disease-causing. Algorithms developed to predict the effect of sequence changes on RNA splicing suggest that this variant may disrupt the consensus splice site. Advanced modeling of protein sequence and biophysical properties (such as structural, functional, and spatial information, amino acid conservation, physicochemical variation, residue mobility, and thermodynamic stability) performed at Invitae indicates that this missense variant is expected to disrupt SCN1A protein function. This variant has not been reported in the literature in individuals affected with SCN1A-related conditions. This variant is not present in population databases (gnomAD no frequency). This sequence change replaces arginine, which is basic and polar, with proline, which is neutral and non-polar, at codon 377 of the SCN1A protein (p.Arg377Pro).

Literature cited by the submitters: PubMed 18076640; PubMed 18413471.